The following is an entry in ClinVar:

ClinVar aggregate classification (germline): Pathogenic (1 of 4 stars; one submission).

Conditions:
Developmental and epileptic encephalopathy 94 (DEE94). Also called: CHD2-Related Neurodevelopmental Disorders; Epileptic encephalopathy, childhood-onset. Identifiers: Orphanet 1942, Orphanet 2382, MedGen C3809278, MONDO:0014150, OMIM 615369.

Submission:

Labcorp Genetics (formerly Invitae), Labcorp
Classification: Pathogenic for Developmental and epileptic encephalopathy 94. Last evaluated: 2023-08-20. Review status: criteria provided, single submitter. Criteria: Invitae Variant Classification Sherloc (09022015). Collection method: clinical testing. Allele origin: germline.
Comment: For these reasons, this variant has been classified as Pathogenic. This variant has not been reported in the literature in individuals affected with CHD2-related conditions. This variant is not present in population databases (gnomAD no frequency). This sequence change creates a premature translational stop signal (p.Glu781Glyfs*45) in the CHD2 gene. It is expected to result in an absent or disrupted protein product. Loss-of-function variants in CHD2 are known to be pathogenic (PMID: 23708187, 24207121).

Literature cited by the submitters: PubMed 23708187; PubMed 24207121.

NM_001271.4(CHD2):c.2341dup (p.Glu781fs)

Gene: CHD2 (chromodomain helicase DNA binding protein 2; plus strand). Cytogenetic location: 15q26.1.
Variant type: Duplication.
Coding change: c.2341dup on transcript NM_001271.4 (MANE Select); coding-DNA position 2341, one base duplicated (G; older notation c.2341dupG).
Protein change: p.Glu781fs; shifts the reading frame from glutamic acid 781.
Molecular consequence: frameshift variant.
Genome position (GRCh38, 1-based): chr15:92,971,916, G duplicated; the last of 2 consecutive G bases (chr15:92,971,915-92,971,916); duplicating either gives the same sequence. VCF-style (leftmost placement, unchanged base first): chr15-92971914-A-AG. GRCh37 (hg19) VCF-style: chr15-93515144-A-AG.
Other names: short protein forms E781fs.
Identifiers: ClinVar variation 2754200 (VCV002754200.3), dbSNP rs2505526627, ClinGen allele CA2697549410.